The following is an entry in ClinVar:

ClinVar aggregate classification (germline): Uncertain significance. Review status: criteria provided, multiple submitters, no conflicts (2 of 4 stars). 2 submissions from 2 submitters: Uncertain significance (2). Last evaluated 2022-07-06.

Conditions:
Charcot-Marie-Tooth disease type 4. Also called: Charcot-Marie-Tooth disease, type IV; Charcot-Marie-Tooth, Type 4. Identifiers: Orphanet 64749, MedGen C4082197, MONDO:0018995.
Inborn genetic diseases. Identifiers: MedGen C0950123, MeSH D030342.

Allele frequency attached by ClinVar (database versions not stated): gnomAD exomes 0.00001.
gnomAD v4.1: 15 of 1,611,618 alleles (0.00093%); highest among the groups gnomAD compares: Non-Finnish European, 0.0012%; no homozygotes.

Submissions (2):

Labcorp Genetics (formerly Invitae), Labcorp
Classification: Uncertain significance for Charcot-Marie-Tooth disease type 4. Last evaluated: 2022-07-06. Review status: criteria provided, single submitter. Criteria: Invitae Variant Classification Sherloc (09022015). Collection method: clinical testing. Allele origin: germline.
Comment: In summary, the available evidence is currently insufficient to determine the role of this variant in disease. Therefore, it has been classified as a Variant of Uncertain Significance. Algorithms developed to predict the effect of missense changes on protein structure and function output the following: SIFT: "Tolerated"; PolyPhen-2: "Benign"; Align-GVGD: "Class C0". The proline amino acid residue is found in multiple mammalian species, which suggests that this missense change does not adversely affect protein function. This variant has not been reported in the literature in individuals affected with PRX-related conditions. This variant is present in population databases (no rsID available, gnomAD 0.0009%). This sequence change replaces threonine, which is neutral and polar, with proline, which is neutral and non-polar, at codon 1158 of the PRX protein (p.Thr1158Pro).

Ambry Genetics
Classification: Uncertain significance for Inborn genetic diseases. Last evaluated: 2020-09-09. Review status: criteria provided, single submitter. Criteria: Ambry Variant Classification Scheme 2023. Collection method: clinical testing. Allele origin: germline.
Comment: The p.T1158P variant (also known as c.3472A>C), located in coding exon 4 of the PRX gene, results from an A to C substitution at nucleotide position 3472. The threonine at codon 1158 is replaced by proline, an amino acid with highly similar properties. This amino acid position is not well conserved in available vertebrate species, and proline is the reference amino acid in other vertebrate species. In addition, this alteration is predicted to be tolerated by in silico analysis. Since supporting evidence is limited at this time, the clinical significance of this alteration remains unclear.

NM_181882.3(PRX):c.3472A>C (p.Thr1158Pro)

Gene: PRX (periaxin; minus strand). Cytogenetic location: 19q13.2.
Variant type: single nucleotide variant.
Coding change: c.3472A>C on transcript NM_181882.3 (MANE Select); coding-DNA position 3472, A replaced by C.
Protein change: p.Thr1158Pro; replaces threonine 1158 with proline.
Molecular consequence: missense variant. On other transcripts: 3 prime UTR variant (1).
Genome position (GRCh38, 1-based): chr19:40,394,880, T>G on the plus strand (A>C on the coding strand, the complement: PRX is on the minus strand). VCF-style: chr19-40394880-T-G. GRCh37 (hg19) VCF-style: chr19-40900787-T-G.
Other names: c.3757A>C, p.Thr1253Pro (NM_001411127.1); c.*3677A>C (NM_020956.2); short protein forms T1253P, T1158P.
Identifiers: ClinVar variation 1731746 (VCV001731746.7), dbSNP rs1224070016, ClinGen allele CA405893554.